The following is an entry in ClinVar:

ClinVar aggregate classification (germline): Uncertain significance (1 of 4 stars; one submission).

gnomAD v4.1: 1 of 1,613,978 alleles (0.000062%); highest among the groups gnomAD compares: Non-Finnish European, 0.000085%; no homozygotes.

Submission:

GeneDx
Classification: Uncertain significance. Last evaluated: 2023-04-12. Review status: criteria provided, single submitter. Criteria: GeneDx Variant Classification Process June 2021. Collection method: clinical testing. Allele origin: germline. Affected: yes.
Comment: Not observed at significant frequency in large population cohorts (gnomAD); In silico analysis supports that this missense variant has a deleterious effect on protein structure/function; Has not been previously published as pathogenic or benign to our knowledge

NM_001085458.2(CTNND1):c.245A>T (p.Asp82Val)

Genes: CTNND1 (catenin delta 1; plus strand), TMX2-CTNND1 (TMX2-CTNND1 readthrough (NMD candidate); plus strand). Cytogenetic location: 11q12.1.
Variant type: single nucleotide variant.
Coding change: c.245A>T on transcript NM_001085458.2 (MANE Select); coding-DNA position 245, A replaced by T.
Protein change: p.Asp82Val; replaces aspartic acid 82 with valine.
Molecular consequence: missense variant. On other transcripts: non-coding transcript variant (1), 5 prime UTR variant (7), intron variant (1).
Genome position (GRCh38, 1-based): chr11:57,794,059, A>T. VCF-style: chr11-57794059-A-T. GRCh37 (hg19) VCF-style: chr11-57561531-A-T.
Other names: c.245A>T, p.Asp82Val (NM_001085459.2, NM_001085460.2, NM_001085461.2 and 3 more transcripts); c.-59A>T (NM_001085463.2, NM_001085464.2, NM_001085465.2 and 4 more transcripts); c.83A>T, p.Asp28Val (NM_001206883.2, NM_001206884.2, NM_001206886.2 and 4 more transcripts); c.-36-1518A>T (NM_001085469.2); short protein forms D28V, D82V.
Identifiers: ClinVar variation 3343114 (VCV003343114.1).
Genomic context (GRCh38, chr11:57,794,059, plus strand): 5'-CTGTGTTTCAGAACGGCCGGTTTGTGGGCGATGCTGACCTTGAAAGACAGAAATTTTCAG[A>T]TTTGAAACTCAACGGACCCCAGGTAATTCTTTGGCTCAAGACCTGGGTTGCTTCATTCAT-3'
Protein context (NP_001078927.1, residues 72-92): DADLERQKFS[Asp82Val]LKLNGPQDHS